The following is an entry in ClinVar:

NM_000687.4(AHCY):c.335G>T (p.Trp112Leu)

Gene: AHCY (adenosylhomocysteinase; minus strand). Cytogenetic location: 20q11.22.
Variant type: single nucleotide variant.
Coding change: c.335G>T on transcript NM_000687.4 (MANE Select); coding-DNA position 335, G replaced by T.
Protein change: p.Trp112Leu; replaces tryptophan 112 with leucine.
Molecular consequence: missense variant.
Genome position (GRCh38, 1-based): chr20:34,292,468, C>A on the plus strand (G>T on the coding strand, the complement: AHCY is on the minus strand). VCF-style: chr20-34292468-C-A. GRCh37 (hg19) VCF-style: chr20-32880274-C-A.
Other names: c.251G>T, p.Trp84Leu (NM_001161766.2, NM_001322084.2, NM_001322085.2); c.341G>T, p.Trp114Leu (NM_001322086.2); c.335G>T, p.Trp112Leu (NM_001362750.2); short protein forms W112L, W114L, W84L.
Identifiers: ClinVar variation 1994461 (VCV001994461.4), dbSNP rs2515187345, ClinGen allele CA408659426.
Genomic context (GRCh38, chr20:34,292,468, plus strand): 5'-CCGTCGTCCAGAATCATGTTGAGGGGCCCGTCCTTGAAGTACAGGGTCTGCTCAATGCAC[C>A]ACAGGTACTCCTCGTCCGTTTCGCCCTTCCAGGCATACACTGGAGGGTGAGTGGCACATC-3'
Protein context (NP_000678.1, residues 102-122): WKGETDEEYL[Trp112Leu]CIEQTLYFKD

ClinVar aggregate classification (germline): Uncertain significance (1 of 4 stars; one submission).

Conditions:
Hypermethioninemia with deficiency of S-adenosylhomocysteine hydrolase. Identifiers: Orphanet 88618, MedGen C3151058, MONDO:0013404, OMIM 613752.

Submission:

Labcorp Genetics (formerly Invitae), Labcorp
Classification: Uncertain significance for Hypermethioninemia with deficiency of S-adenosylhomocysteine hydrolase. Last evaluated: 2025-02-03. Review status: criteria provided, single submitter. Criteria: Invitae Variant Classification Sherloc (09022015). Collection method: clinical testing. Allele origin: germline.
Comment: This sequence change replaces tryptophan, which is neutral and slightly polar, with leucine, which is neutral and non-polar, at codon 112 of the AHCY protein (p.Trp112Leu). This variant is not present in population databases (gnomAD no frequency). This variant has not been reported in the literature in individuals affected with AHCY-related conditions. ClinVar contains an entry for this variant (Variation ID: 1994461). Invitae Evidence Modeling of protein sequence and biophysical properties (such as structural, functional, and spatial information, amino acid conservation, physicochemical variation, residue mobility, and thermodynamic stability) indicates that this missense variant is expected to disrupt AHCY protein function with a positive predictive value of 95%. In summary, the available evidence is currently insufficient to determine the role of this variant in disease. Therefore, it has been classified as a Variant of Uncertain Significance.